The following is an entry in ClinVar:

ClinVar aggregate classification (germline): Likely pathogenic (1 of 4 stars; one submission).

Conditions:
ARSA-related disorder. Also called: ARSA-related condition.

Submission:

PreventionGenetics, part of Exact Sciences
Classification: Likely pathogenic for ARSA-related condition. Last evaluated: 2025-12-03. Review status: criteria provided, single submitter. Criteria: ACMG Guidelines, 2015. Collection method: clinical testing. Allele origin: germline.
Comment: The ARSA c.955_962del8 variant is predicted to result in a frameshift and premature protein termination (p.Phe319Argfs*38). To our knowledge, this variant has not been reported in the literature. This variant is reported in 0.00096% of alleles in individuals of European (Non-Finnish) descent in gnomAD. Frameshift variants in ARSA are expected to be pathogenic. This variant is interpreted as likely pathogenic.

NM_000487.6(ARSA):c.955_962del (p.Phe319fs)

Gene: ARSA (arylsulfatase A; minus strand). Cytogenetic location: 22q13.33.
Variant type: Deletion.
Coding change: c.955_962del on transcript NM_000487.6 (MANE Select); coding-DNA positions 955 to 962, 8 bases deleted (TTCTGGCC; older notation c.955_962delTTCTGGCC).
Protein change: p.Phe319fs; shifts the reading frame from phenylalanine 319.
Molecular consequence: frameshift variant.
Genome position (GRCh38, 1-based): chr22:50,626,171-50,626,178, GGCCAGAA deleted on the plus strand (TTCTGGCC on the coding strand, the reverse complement: ARSA is on the minus strand); deleting any 8 consecutive bases within chr22:50,626,171-50,626,183 gives the same sequence; the c. name uses the placement nearest the transcript's 3' end. VCF-style (leftmost placement, unchanged base first): chr22-50626170-TGGCCAGAA-T. GRCh37 (hg19) VCF-style: chr22-51064598-TGGCCAGAA-T.
Other names: c.955_962del, p.Phe319fs (NM_001085425.3, NM_001085426.3, NM_001085427.3); c.697_704del, p.Phe233fs (NM_001085428.3, NM_001362782.2); short protein forms F233fs, F319fs.
Identifiers: ClinVar variation 4990089 (VCV004990089.1).
Genomic context (GRCh38, chr22:50,626,170, plus strand): 5'-GGGTGGTGGGGCCAGGGTTCCAAGGAGAGGGCCTGCGGACTGACCGGGAGCGATATGACC[TGGCCAGAA>T]GGCCAAGGCAGGCTCTCGGACACCGCCCTCGTAGGTCGTTCCCTTTCCACACCGCAAGAG-3'